The following is an entry in ClinVar:

NM_001017420.3(ESCO2):c.*491A>G

Gene: ESCO2 (establishment of sister chromatid cohesion N-acetyltransferase 2; plus strand). Cytogenetic location: 8p21.1.
Variant type: single nucleotide variant.
Coding change: c.*491A>G on transcript NM_001017420.3 (MANE Select); 491 bases downstream of the stop codon, A replaced by G.
Molecular consequence: 3 prime UTR variant.
Genome position (GRCh38, 1-based): chr8:27,803,929, A>G. VCF-style: chr8-27803929-A-G. GRCh37 (hg19) VCF-style: chr8-27661446-A-G.
Identifiers: ClinVar variation 908093 (VCV000908093.4), dbSNP rs149395052, ClinGen allele CA174274447.

ClinVar aggregate classification (germline): Benign (1 of 4 stars; one submission).

Conditions:
Roberts-SC phocomelia syndrome (RBS). Also called: LONG BONE DEFICIENCIES ASSOCIATED WITH CLEFT LIP-PALATE; Hypomelia hypotrichosis facial hemangioma syndrome; ESCO2 Spectrum Disorder; Pseudothalidomide syndrome; Appelt-Gerken-Lenz syndrome. Identifiers: Orphanet 3103, MedGen C0392475, MONDO:0100253, OMIM 268300.

Allele frequency attached by ClinVar (database versions not stated): gnomAD exomes 0.00044; 1000 Genomes Project 0.00659; gnomAD 0.00708 and 0.00774; 1000 Genomes Project 30x 0.00750; TOPMed 0.00815.
gnomAD v4.1: 1,448 of 993,998 alleles (0.15%); highest among the groups gnomAD compares: African/African-American, 2.4%; 9 homozygotes.

Submission:

Illumina Laboratory Services, Illumina
Classification: Benign for Roberts-SC phocomelia syndrome. Last evaluated: 2018-01-13. Review status: criteria provided, single submitter. Criteria: ICSL Variant Classification Criteria 13 December 2019. Collection method: clinical testing. Allele origin: germline.
Comment: This variant was observed in the ICSL laboratory as part of a predisposition screen in an ostensibly healthy population. It had not been previously curated by ICSL or reported in the Human Gene Mutation Database (HGMD: prior to June 1st, 2018), and was therefore a candidate for classification through an automated scoring system. Utilizing variant allele frequency, disease prevalence and penetrance estimates, and inheritance mode, an automated score was calculated to assess if this variant is too frequent to cause the disease. Based on the score and internal cut-off values, a variant classified as benign is not then subjected to further curation. The score for this variant resulted in a classification of benign for this disease.